The following is an entry in ClinVar:

ClinVar aggregate classification (germline): Likely benign (1 of 4 stars; one submission).

Submission:

CeGaT Center for Human Genetics Tuebingen
Classification: Likely benign. Last evaluated: 2024-08-01. Review status: criteria provided, single submitter. Criteria: CeGaT Center For Human Genetics Tuebingen Variant Classification Criteria Version 2. Collection method: clinical testing. Allele origin: germline. Affected: yes. Observed: 1 variant allele.
Comment: L1CAM: PM2:Supporting, BP4, BP7

NM_001278116.2(L1CAM):c.771G>A (p.Gly257=)

Gene: L1CAM (L1 cell adhesion molecule; minus strand). Cytogenetic location: Xq28.
Variant type: single nucleotide variant.
Coding change: c.771G>A on transcript NM_001278116.2 (MANE Select); coding-DNA position 771, G replaced by A.
Protein change: p.Gly257=; no amino-acid change (glycine 257 retained).
Molecular consequence: synonymous variant.
Genome position (GRCh38, 1-based): chrX:153,870,423, C>T on the plus strand (G>A on the coding strand, the complement: L1CAM is on the minus strand). VCF-style: chrX-153870423-C-T. GRCh37 (hg19) VCF-style: chrX-153135878-C-T.
Other names: c.771G>A, p.Gly257= (NM_024003.3, NM_000425.5); c.756G>A, p.Gly252= (NM_001143963.2).
Identifiers: ClinVar variation 3342013 (VCV003342013.16).